The following is an entry in ClinVar:

NM_000260.4(MYO7A):c.671G>A (p.Arg224Gln)

Gene: MYO7A (myosin VIIA; plus strand). Cytogenetic location: 11q13.5.
Variant type: single nucleotide variant.
Coding change: c.671G>A on transcript NM_000260.4 (MANE Select); coding-DNA position 671, G replaced by A.
Protein change: p.Arg224Gln; replaces arginine 224 with glutamine.
Molecular consequence: missense variant.
Genome position (GRCh38, 1-based): chr11:77,156,940, G>A. VCF-style: chr11-77156940-G-A. GRCh37 (hg19) VCF-style: chr11-76867986-G-A.
Other names: c.671G>A, p.Arg224Gln (NM_001127180.2); c.638G>A, p.Arg213Gln (NM_001369365.1); c.671G>A (NM_000260.3); short protein forms R213Q, R224Q.
Identifiers: ClinVar variation 2065243 (VCV002065243.6), dbSNP rs781913730, ClinGen allele CA6197210.
Genomic context (GRCh38, chr11:77,156,940, plus strand): 5'-CCATCCGCAATGACAACTCAAGCCGTTTCGGAAAGTACATCGACATCCACTTCAACAAGC[G>A]GGGCGCCATCGAGGGCGCGAAGATTGAGCAGTACCTGCTGGAAAAGTCACGTGTCTGTCG-3'
Protein context (NP_000251.3, residues 214-234): GKYIDIHFNK[Arg224Gln]GAIEGAKIEQ

ClinVar aggregate classification (germline): Uncertain significance. Review status: criteria provided, multiple submitters, no conflicts (2 of 4 stars). 4 submissions from 4 submitters: Uncertain significance (4). Last evaluated 2026-02-17.

Conditions:
Inborn genetic diseases. Identifiers: MedGen C0950123, MeSH D030342.

Allele frequency attached by ClinVar (database versions not stated): gnomAD 0.00002.
gnomAD v4.1: 26 of 1,613,856 alleles (0.0016%); highest among the groups gnomAD compares: Middle Eastern, 0.016%; no homozygotes.

Submissions (4):

Ambry Genetics
Classification: Uncertain significance for Inborn genetic diseases. Last evaluated: 2026-02-17. Review status: criteria provided, single submitter. Criteria: Ambry Variant Classification Scheme 2023. Collection method: clinical testing. Allele origin: germline.

Labcorp Genetics (formerly Invitae), Labcorp
Classification: Uncertain significance. Last evaluated: 2026-01-07. Review status: criteria provided, single submitter. Criteria: Invitae Variant Classification Sherloc (09022015). Collection method: clinical testing. Allele origin: germline.
Comment: This sequence change replaces arginine, which is basic and polar, with glutamine, which is neutral and polar, at codon 224 of the MYO7A protein (p.Arg224Gln). This variant is present in population databases (rs781913730, gnomAD 0.003%). This variant has not been reported in the literature in individuals affected with MYO7A-related conditions. ClinVar contains an entry for this variant (Variation ID: 2065243). Invitae Evidence Modeling of protein sequence and biophysical properties (such as structural, functional, and spatial information, amino acid conservation, physicochemical variation, residue mobility, and thermodynamic stability) indicates that this missense variant is not expected to disrupt MYO7A protein function with a negative predictive value of 95%. In summary, the available evidence is currently insufficient to determine the role of this variant in disease. Therefore, it has been classified as a Variant of Uncertain Significance.

GeneDx
Classification: Uncertain significance. Last evaluated: 2024-01-18. Review status: criteria provided, single submitter. Criteria: GeneDx Variant Classification Process June 2021. Collection method: clinical testing. Allele origin: germline. Affected: yes.
Comment: In silico analysis supports that this missense variant does not alter protein structure/function; Has not been previously published as pathogenic or benign to our knowledge

Blueprint Genetics
Classification: Uncertain significance. Last evaluated: 2023-08-03. Review status: criteria provided, single submitter. Criteria: ACMG Guidelines, 2015. Collection method: clinical testing. Allele origin: germline.